The following is an entry in ClinVar:

ClinVar aggregate classification (germline): Uncertain significance. Review status: criteria provided, multiple submitters, no conflicts (2 of 4 stars). 2 submissions from 2 submitters: Uncertain significance (2). Last evaluated 2024-05-29.

Conditions:
Fanconi anemia (FA). Also called: Fanconi's anemia. Identifiers: Orphanet 84, MedGen C0015625, MeSH D005199, MONDO:0019391.
Hereditary cancer-predisposing syndrome. Also called: Tumor predisposition; Hereditary neoplastic syndrome; Neoplastic Syndromes, Hereditary; Hereditary Cancer Syndrome. Identifiers: Orphanet 140162, MedGen C0027672, MeSH D009386, MONDO:0015356.

gnomAD v4.1: 2 of 1,614,124 alleles (0.00012%); highest among the groups gnomAD compares: Non-Finnish European, 0.00017%; no homozygotes.

Submissions (2):

Ambry Genetics
Classification: Uncertain significance for Hereditary cancer-predisposing syndrome. Last evaluated: 2024-05-29. Review status: criteria provided, single submitter. Criteria: Ambry Variant Classification Scheme 2023. Collection method: clinical testing. Allele origin: germline.
Comment: The p.A455V variant (also known as c.1364C>T), located in coding exon 13 of the FANCC gene, results from a C to T substitution at nucleotide position 1364. The alanine at codon 455 is replaced by valine, an amino acid with similar properties. This amino acid position is conserved. In addition, this alteration is predicted to be tolerated by in silico analysis. Since supporting evidence is limited at this time, the clinical significance of this alteration remains unclear.

Labcorp Genetics (formerly Invitae), Labcorp
Classification: Uncertain significance for Fanconi anemia. Last evaluated: 2022-10-17. Review status: criteria provided, single submitter. Criteria: Invitae Variant Classification Sherloc (09022015). Collection method: clinical testing. Allele origin: germline.
Comment: ClinVar contains an entry for this variant (Variation ID: 1490930). This variant has not been reported in the literature in individuals affected with FANCC-related conditions. This variant is not present in population databases (gnomAD no frequency). This sequence change replaces alanine, which is neutral and non-polar, with valine, which is neutral and non-polar, at codon 455 of the FANCC protein (p.Ala455Val). Advanced modeling of protein sequence and biophysical properties (such as structural, functional, and spatial information, amino acid conservation, physicochemical variation, residue mobility, and thermodynamic stability) performed at Invitae indicates that this missense variant is not expected to disrupt FANCC protein function. In summary, the available evidence is currently insufficient to determine the role of this variant in disease. Therefore, it has been classified as a Variant of Uncertain Significance.

NM_000136.3(FANCC):c.1364C>T (p.Ala455Val)

Genes: FANCC (FA complementation group C; minus strand), AOPEP (aminopeptidase O (putative); plus strand). Cytogenetic location: 9q22.32.
Variant type: single nucleotide variant.
Coding change: c.1364C>T on transcript NM_000136.3 (MANE Select); coding-DNA position 1364, C replaced by T.
Protein change: p.Ala455Val; replaces alanine 455 with valine.
Molecular consequence: missense variant.
Genome position (GRCh38, 1-based): chr9:95,107,235, G>A on the plus strand (C>T on the coding strand, the complement: FANCC is on the minus strand). VCF-style: chr9-95107235-G-A. GRCh37 (hg19) VCF-style: chr9-97869517-G-A.
Other names: c.1364C>T, p.Ala455Val (NM_001243743.2); short protein forms A455V.
Identifiers: ClinVar variation 1490930 (VCV001490930.11), dbSNP rs2071516903, ClinGen allele CA374106230.